The following is an entry in ClinVar:

NM_020806.5(GPHN):c.294+5G>A

Gene: GPHN (gephyrin; plus strand). Cytogenetic location: 14q23.3.
Variant type: single nucleotide variant.
Coding change: c.294+5G>A on transcript NM_020806.5 (MANE Select); 5 bases into the intron after coding-DNA position 294, G replaced by A.
Molecular consequence: intron variant.
Genome position (GRCh38, 1-based): chr14:66,824,571, G>A. VCF-style: chr14-66824571-G-A. GRCh37 (hg19) VCF-style: chr14-67291289-G-A.
Other names: c.294+5G>A (NM_001377514.1, NM_001377519.1, NM_001377515.1 and 4 more transcripts).
Identifiers: ClinVar variation 1003704 (VCV001003704.8), dbSNP rs2061324352, ClinGen allele CA2143758022.

ClinVar aggregate classification (germline): Uncertain significance (1 of 4 stars; one submission).

Conditions:
Sulfite oxidase deficiency due to molybdenum cofactor deficiency type C. Also called: Molybdenum cofactor deficiency, complementation group C; Molybdenum cofactor deficiency C. Identifiers: Orphanet 308400, Orphanet 833, MedGen C1854990, MONDO:0014212, OMIM 615501.

Submission:

Labcorp Genetics (formerly Invitae), Labcorp
Classification: Uncertain significance for Sulfite oxidase deficiency due to molybdenum cofactor deficiency type C. Last evaluated: 2022-07-12. Review status: criteria provided, single submitter. Criteria: Invitae Variant Classification Sherloc (09022015). Collection method: clinical testing. Allele origin: germline.
Comment: This variant has not been reported in the literature in individuals affected with GPHN-related conditions. ClinVar contains an entry for this variant (Variation ID: 1003704). Variants that disrupt the consensus splice site are a relatively common cause of aberrant splicing (PMID: 17576681, 9536098). Algorithms developed to predict the effect of sequence changes on RNA splicing suggest that this variant may create or strengthen a splice site. In summary, the available evidence is currently insufficient to determine the role of this variant in disease. Therefore, it has been classified as a Variant of Uncertain Significance. This sequence change falls in intron 4 of the GPHN gene. It does not directly change the encoded amino acid sequence of the GPHN protein. It affects a nucleotide within the consensus splice site. This variant is not present in population databases (gnomAD no frequency).

Literature cited by the submitters: PubMed 17576681; PubMed 9536098.